The following is an entry in ClinVar:

ClinVar aggregate classification (germline): Uncertain significance (1 of 4 stars; one submission).

Submission:

GeneDx
Classification: Uncertain significance. Last evaluated: 2026-09-29. Review status: criteria provided, single submitter. Criteria: GeneDx Variant Classification Process June 2021. Collection method: clinical testing. Allele origin: germline.
Comment: Not observed at significant frequency in large population cohorts (gnomAD); In silico analysis supports a deleterious effect on splicing; In silico analysis supports that this missense variant has a deleterious effect on protein structure/function; Has not been previously published as pathogenic or benign to our knowledge

NM_000836.4(GRIN2D):c.1862G>T (p.Arg621Leu)

Genes: GRIN2D (glutamate ionotropic receptor NMDA type subunit 2D; plus strand), LOC130064857 (ATAC-STARR-seq lymphoblastoid active region 14894; plus strand). Cytogenetic location: 19q13.33.
Variant type: single nucleotide variant.
Coding change: c.1862G>T on transcript NM_000836.4 (MANE Select); coding-DNA position 1862, G replaced by T.
Protein change: p.Arg621Leu; replaces arginine 621 with leucine.
Molecular consequence: missense variant.
Genome position (GRCh38, 1-based): chr19:48,419,585, G>T. VCF-style: chr19-48419585-G-T. GRCh37 (hg19) VCF-style: chr19-48922842-G-T.
Other names: short protein forms R621L.
Identifiers: ClinVar variation 3900410 (VCV003900410.2).
Genomic context (GRCh38, chr19:48,419,585, plus strand): 5'-TTTTCCCTTCCTTATTGAGAAGGGATTTGGGGTCCATGTCCACGTCCTGGCCCCCTGCAG[G>T]CCCTGGCGGTTCAACCTTCACCATTGGGAAATCCATCTGGCTGCTCTGGGCCCTGGTGTT-3'
Protein context (NP_000827.2, residues 611-631): GYNRSLATGK[Arg621Leu]PGGSTFTIGK